The following is an entry in ClinVar:

NM_004595.5(SMS):c.264+3C>G

Gene: SMS (spermine synthase; plus strand). Cytogenetic location: Xp22.11.
Variant type: single nucleotide variant.
Coding change: c.264+3C>G on transcript NM_004595.5 (MANE Select); 3 bases into the intron after coding-DNA position 264, C replaced by G.
Molecular consequence: intron variant.
Genome position (GRCh38, 1-based): chrX:21,971,993, C>G. VCF-style: chrX-21971993-C-G. GRCh37 (hg19) VCF-style: chrX-21990111-C-G.
Other names: c.170+4677C>G (NM_001258423.2).
Identifiers: ClinVar variation 2290287 (VCV002290287.2), dbSNP rs373795414, ClinGen allele CA2580100459.
Genomic context (GRCh38, chrX:21,971,993, plus strand): 5'-GTTGCTGGACCTTCAGAGTTATGATGGTGATGCGCAAGGCAAAGAAGAGATCGACAGTGT[C>G]GGTTTTTCACTTTCATTTACTCAGTGTTTAAGGATCATAGTATCTGCTTAGCTTAGTGTT-3'

ClinVar aggregate classification (germline): Uncertain significance (1 of 4 stars; one submission).

Conditions:
Inborn genetic diseases. Identifiers: MedGen C0950123, MeSH D030342.

Submission:

Ambry Genetics
Classification: Uncertain significance for Inborn genetic diseases. Last evaluated: 2022-06-21. Review status: criteria provided, single submitter. Criteria: Ambry Variant Classification Scheme 2023. Collection method: clinical testing. Allele origin: germline.
Comment: The c.264+3C>G intronic alteration consists of a C to G substitution nucleotides after coding exon 3 in the SMS gene. Based on insufficient or conflicting evidence, the clinical significance of this alteration remains unclear.